The following is an entry in ClinVar:

ClinVar aggregate classification (germline): Benign (1 of 4 stars; one submission).

Allele frequency attached by ClinVar (database versions not stated): 1000 Genomes Project 0.42232; gnomAD 0.35445 and 0.36272; TOPMed 0.37545; 1000 Genomes Project 30x 0.41490.

Submission:

GeneDx
Classification: Benign. Last evaluated: 2018-06-19. Review status: criteria provided, single submitter. Criteria: GeneDx Variant Classification (06012015). Collection method: clinical testing. Allele origin: germline. Affected: yes.
Comment: This variant is considered likely benign or benign based on one or more of the following criteria: it is a conservative change, it occurs at a poorly conserved position in the protein, it is predicted to be benign by multiple in silico algorithms, and/or has population frequency not consistent with disease.

NM_000751.3(CHRND):c.243+294A>G

Gene: CHRND (cholinergic receptor nicotinic delta subunit; plus strand). Cytogenetic location: 2q37.1.
Variant type: single nucleotide variant.
Coding change: c.243+294A>G on transcript NM_000751.3 (MANE Select); 294 bases into the intron after coding-DNA position 243, A replaced by G.
Molecular consequence: intron variant.
Genome position (GRCh38, 1-based): chr2:232,527,739, A>G. VCF-style: chr2-232527739-A-G. GRCh37 (hg19) VCF-style: chr2-233392449-A-G.
Other names: c.-29+294A>G (NM_001311195.2, NM_001311196.2); c.199-523A>G (NM_001256657.2).
Identifiers: ClinVar variation 680549 (VCV000680549.1), dbSNP rs3762529, ClinGen allele CA11174371.